The following is an entry in ClinVar:

NM_001010867.4(IBA57):c.577C>T (p.Arg193Cys)

Gene: IBA57 (iron-sulfur cluster assembly factor IBA57; plus strand). Cytogenetic location: 1q42.13.
Variant type: single nucleotide variant.
Coding change: c.577C>T on transcript NM_001010867.4 (MANE Select); coding-DNA position 577, C replaced by T.
Protein change: p.Arg193Cys; replaces arginine 193 with cysteine.
Molecular consequence: missense variant. On other transcripts: 5 prime UTR variant (1).
Genome position (GRCh38, 1-based): chr1:228,174,927, C>T. VCF-style: chr1-228174927-C-T. GRCh37 (hg19) VCF-style: chr1-228362628-C-T.
Other names: c.-3C>T (NM_001310327.2); short protein forms R193C.
Identifiers: ClinVar variation 1062033 (VCV001062033.9), dbSNP rs1324456932, ClinGen allele CA345113622.

ClinVar aggregate classification (germline): Uncertain significance (1 of 4 stars; one submission).

Conditions:
Hereditary spastic paraplegia 74. Also called: Spastic paraplegia 74, autosomal recessive. Identifiers: Orphanet 468661, MedGen C5568837, MONDO:0014644, OMIM 616451.
Multiple mitochondrial dysfunctions syndrome 3 (MMDS3). Identifiers: Orphanet 363424, MedGen C3809165, MONDO:0014132, OMIM 615330.

Allele frequency attached by ClinVar (database versions not stated): gnomAD exomes below 0.00001; gnomAD 0.00001; TOPMed 0.00001.

Submission:

Labcorp Genetics (formerly Invitae), Labcorp
Classification: Uncertain significance for Multiple mitochondrial dysfunctions syndrome 3; Hereditary spastic paraplegia 74. Last evaluated: 2022-07-06. Review status: criteria provided, single submitter. Criteria: Invitae Variant Classification Sherloc (09022015). Collection method: clinical testing. Allele origin: germline.
Comment: In summary, the available evidence is currently insufficient to determine the role of this variant in disease. Therefore, it has been classified as a Variant of Uncertain Significance. Algorithms developed to predict the effect of missense changes on protein structure and function output the following: SIFT: "Tolerated"; PolyPhen-2: "Benign"; Align-GVGD: "Class C0". The cysteine amino acid residue is found in multiple mammalian species, which suggests that this missense change does not adversely affect protein function. ClinVar contains an entry for this variant (Variation ID: 1062033). This variant has not been reported in the literature in individuals affected with IBA57-related conditions. This variant is present in population databases (no rsID available, gnomAD 0.007%). This sequence change replaces arginine, which is basic and polar, with cysteine, which is neutral and slightly polar, at codon 193 of the IBA57 protein (p.Arg193Cys).